The following is an entry in ClinVar:

NM_198586.3(NHLRC1):c.137G>A (p.Cys46Tyr)

Gene: NHLRC1 (NHL repeat containing E3 ubiquitin protein ligase 1; minus strand). Cytogenetic location: 6p22.3.
Variant type: single nucleotide variant.
Coding change: c.137G>A on transcript NM_198586.3 (MANE Select); coding-DNA position 137, G replaced by A.
Protein change: p.Cys46Tyr; replaces cysteine 46 with tyrosine.
Molecular consequence: missense variant.
Genome position (GRCh38, 1-based): chr6:18,122,470, C>T on the plus strand (G>A on the coding strand, the complement: NHLRC1 is on the minus strand). VCF-style: chr6-18122470-C-T. GRCh37 (hg19) VCF-style: chr6-18122701-C-T.
Other names: short protein forms C46Y.
Identifiers: ClinVar variation 2734827 (VCV002734827.3), dbSNP rs1193718748, ClinGen allele CA362829472.

ClinVar aggregate classification (germline): Pathogenic (1 of 4 stars; one submission).

Conditions:
Lafora disease. Also called: Epilepsy progressive myoclonic 2; Progressive Myoclonus Epilepsy, Lafora Type. Identifiers: Orphanet 501, MedGen C0751783, MONDO:0009697.

Allele frequency attached by ClinVar (database versions not stated): gnomAD exomes 0.00001; TOPMed below 0.00001.

Submission:

Labcorp Genetics (formerly Invitae), Labcorp
Classification: Pathogenic for Lafora disease. Last evaluated: 2025-08-18. Review status: criteria provided, single submitter. Criteria: Invitae Variant Classification Sherloc (09022015). Collection method: clinical testing. Allele origin: germline.
Comment: This sequence change replaces cysteine, which is neutral and slightly polar, with tyrosine, which is neutral and polar, at codon 46 of the NHLRC1 protein (p.Cys46Tyr). This variant is present in population databases (no rsID available, gnomAD 0.003%). This missense change has been observed in individual(s) with Lafora disease (PMID: 20738377, 21505799, 38137127). In at least one individual the data is consistent with being in trans (on the opposite chromosome) from a pathogenic variant. ClinVar contains an entry for this variant (Variation ID: 2734827). Invitae Evidence Modeling of protein sequence and biophysical properties (such as structural, functional, and spatial information, amino acid conservation, physicochemical variation, residue mobility, and thermodynamic stability) indicates that this missense variant is expected to disrupt NHLRC1 protein function with a positive predictive value of 95%. Experimental studies have shown that this missense change affects NHLRC1 function (PMID: 21505799). For these reasons, this variant has been classified as Pathogenic.

Literature cited by the submitters: PubMed 20738377; PubMed 21505799; PubMed 38137127.